The following is an entry in ClinVar:

NM_019844.4(SLCO1B3):c.790G>C (p.Val264Leu)

Genes: SLCO1B3 (solute carrier organic anion transporter family member 1B3; plus strand), SLCO1B3-SLCO1B7 (SLCO1B3-SLCO1B7 readthrough; plus strand). Cytogenetic location: 12p12.2.
Variant type: single nucleotide variant.
Coding change: c.790G>C on transcript NM_019844.4 (MANE Select); coding-DNA position 790, G replaced by C.
Protein change: p.Val264Leu; replaces valine 264 with leucine.
Molecular consequence: missense variant.
Genome position (GRCh38, 1-based): chr12:20,875,297, G>C. VCF-style: chr12-20875297-G-C. GRCh37 (hg19) VCF-style: chr12-21028231-G-C.
Other names: c.790G>C, p.Val264Leu (NM_001371097.1); c.706G>C, p.Val236Leu (NM_001349920.2); short protein forms V236L, V264L.
Identifiers: ClinVar variation 4981737 (VCV004981737.1).

ClinVar aggregate classification (germline): Uncertain significance (1 of 4 stars; one submission).

Conditions:
SLCO1B3-related disorder. Also called: SLCO1B3-related condition.

gnomAD v4.1: 7 of 1,613,222 alleles (0.00043%); highest among the groups gnomAD compares: East Asian, 0.0022%; no homozygotes.

Submission:

PreventionGenetics, part of Exact Sciences
Classification: Uncertain significance for SLCO1B3-related condition. Last evaluated: 2026-07-06. Review status: criteria provided, single submitter. Criteria: ACMG Guidelines, 2015. Collection method: clinical testing. Allele origin: germline.
Comment: The SLCO1B3 c.790G>C variant is predicted to result in the amino acid substitution p.Val264Leu. To our knowledge, this variant has not been reported in the literature. This variant is reported in 0.064% of alleles in individuals of East Asian descent in gnomAD. At this time, the clinical significance of this variant is uncertain due to the absence of conclusive functional and genetic evidence.